The following is an entry in ClinVar:

NM_014225.6(PPP2R1A):c.1706A>G (p.Gln569Arg)

Gene: PPP2R1A (protein phosphatase 2 scaffold subunit Aalpha; plus strand). Cytogenetic location: 19q13.41.
Variant type: single nucleotide variant.
Coding change: c.1706A>G on transcript NM_014225.6 (MANE Select); coding-DNA position 1706, A replaced by G.
Protein change: p.Gln569Arg; replaces glutamine 569 with arginine.
Molecular consequence: missense variant. On other transcripts: non-coding transcript variant (1).
Genome position (GRCh38, 1-based): chr19:52,225,761, A>G. VCF-style: chr19-52225761-A-G. GRCh37 (hg19) VCF-style: chr19-52729014-A-G.
Other names: c.1169A>G, p.Gln390Arg (NM_001363656.2); short protein forms Q569R, Q390R.
Identifiers: ClinVar variation 4741180 (VCV004741180.1).

ClinVar aggregate classification (germline): Uncertain significance (1 of 4 stars; one submission).

gnomAD v4.1: 5 of 1,614,220 alleles (0.00031%); highest among the groups gnomAD compares: Non-Finnish European, 0.00025%; no homozygotes.

Submission:

Labcorp Genetics (formerly Invitae), Labcorp
Classification: Uncertain significance. Last evaluated: 2025-04-23. Review status: criteria provided, single submitter. Criteria: Invitae Variant Classification Sherloc (09022015). Collection method: clinical testing. Allele origin: germline.
Comment: This sequence change replaces glutamine, which is neutral and polar, with arginine, which is basic and polar, at codon 569 of the PPP2R1A protein (p.Gln569Arg). This variant is present in population databases (rs750082862, gnomAD 0.0009%). This variant has not been reported in the literature in individuals affected with PPP2R1A-related conditions. Invitae Evidence Modeling of protein sequence and biophysical properties (such as structural, functional, and spatial information, amino acid conservation, physicochemical variation, residue mobility, and thermodynamic stability) indicates that this missense variant is not expected to disrupt PPP2R1A protein function with a negative predictive value of 80%. In summary, the available evidence is currently insufficient to determine the role of this variant in disease. Therefore, it has been classified as a Variant of Uncertain Significance.